The following is an entry in ClinVar:

NM_000719.7(CACNA1C):c.2461-3T>C

Gene: CACNA1C (calcium voltage-gated channel subunit alpha1 C; plus strand). Cytogenetic location: 12p13.33.
Variant type: single nucleotide variant.
Coding change: c.2461-3T>C on transcript NM_000719.7 (MANE Select); 3 bases into the intron before coding-DNA position 2461, T replaced by C.
Molecular consequence: intron variant.
Genome position (GRCh38, 1-based): chr12:2,585,832, T>C. VCF-style: chr12-2585832-T-C. GRCh37 (hg19) VCF-style: chr12-2694998-T-C.
Other names: c.2461-3T>C (NM_001167624.3, NM_001167623.2, NM_001167625.2 and 18 more transcripts); c.2452-3T>C (NM_001129844.2).
Identifiers: ClinVar variation 384028 (VCV000384028.8), dbSNP rs918755208, ClinGen allele CA16607240.

ClinVar aggregate classification (germline): Conflicting classifications of pathogenicity. Review status: criteria provided, conflicting classifications (1 of 4 stars). 3 submissions from 3 submitters: Uncertain significance (2); Likely benign (1). Last evaluated 2025-09-15.

Conditions:
Cardiovascular phenotype. Identifiers: MedGen CN230736.
Long QT syndrome (LQTS). Identifiers: MedGen C0023976, MeSH D008133, MONDO:0002442. Disease mechanism: loss of function. Inheritance: Various modes of inheritance.

Allele frequency attached by ClinVar (database versions not stated): TOPMed 0.00003; gnomAD 0.00005 and 0.00006.

Submissions (3):

Labcorp Genetics (formerly Invitae), Labcorp
Classification: Uncertain significance for Long QT syndrome. Last evaluated: 2025-09-15. Review status: criteria provided, single submitter. Criteria: Invitae Variant Classification Sherloc (09022015). Collection method: clinical testing. Allele origin: germline.
Comment: This sequence change falls in intron 17 of the CACNA1C gene. It does not directly change the encoded amino acid sequence of the CACNA1C protein. It affects a nucleotide within the consensus splice site. This variant is present in population databases (no rsID available, gnomAD 0.01%). This variant has not been reported in the literature in individuals affected with CACNA1C-related conditions. ClinVar contains an entry for this variant (Variation ID: 384028). Variants that disrupt the consensus splice site are a relatively common cause of aberrant splicing (PMID: 17576681, 9536098). Algorithms developed to predict the effect of sequence changes on RNA splicing suggest that this variant is not likely to affect RNA splicing. In summary, the available evidence is currently insufficient to determine the role of this variant in disease. Therefore, it has been classified as a Variant of Uncertain Significance.

Ambry Genetics
Classification: Uncertain significance for Cardiovascular phenotype. Last evaluated: 2024-10-03. Review status: criteria provided, single submitter. Criteria: Ambry Variant Classification Scheme 2023. Collection method: clinical testing. Allele origin: germline.
Comment: The c.2461-3T>C intronic variant results from a T to C substitution 3 nucleotides upstream from coding exon 18 in the CACNA1C gene. This nucleotide position is well conserved in available vertebrate species. In silico splice site analysis predicts that this alteration will not have any significant effect on splicing. Based on the available evidence, the clinical significance of this variant remains unclear.

GeneDx
Classification: Likely benign. Last evaluated: 2016-02-22. Review status: criteria provided, single submitter. Criteria: GeneDx Variant Classification (06012015). Collection method: clinical testing. Allele origin: germline. Affected: yes.
Comment: This variant is considered likely benign or benign based on one or more of the following criteria: it is a conservative change, it occurs at a poorly conserved position in the protein, it is predicted to be benign by multiple in silico algorithms, and/or has population frequency not consistent with disease.

Literature cited by the submitters: PubMed 17576681 (cited by Labcorp Genetics (formerly Invitae), Labcorp); PubMed 9536098 (cited by Labcorp Genetics (formerly Invitae), Labcorp).